The following is an entry in ClinVar:

ClinVar aggregate classification (germline): Uncertain significance. Review status: criteria provided, multiple submitters, no conflicts (2 of 4 stars). 2 submissions from 2 submitters: Uncertain significance (2). Last evaluated 2024-07-08.

Submissions (2):

Blueprint Genetics
Classification: Uncertain significance. Last evaluated: 2024-07-08. Review status: criteria provided, single submitter. Criteria: ACMG Guidelines, 2015. Collection method: clinical testing. Allele origin: germline.

CeGaT Center for Human Genetics Tuebingen
Classification: Uncertain significance. Last evaluated: 2022-08-01. Review status: criteria provided, single submitter. Criteria: CeGaT Center For Human Genetics Tuebingen Variant Classification Criteria Version 2. Collection method: clinical testing. Allele origin: germline. Affected: yes. Observed: 1 variant allele.
Comment: NOTCH3: PP2

NM_000435.3(NOTCH3):c.4534G>C (p.Val1512Leu)

Gene: NOTCH3 (notch receptor 3; minus strand). Cytogenetic location: 19p13.12.
Variant type: single nucleotide variant.
Coding change: c.4534G>C on transcript NM_000435.3 (MANE Select); coding-DNA position 4534, G replaced by C.
Protein change: p.Val1512Leu; replaces valine 1512 with leucine.
Molecular consequence: missense variant.
Genome position (GRCh38, 1-based): chr19:15,174,270, C>G on the plus strand (G>C on the coding strand, the complement: NOTCH3 is on the minus strand). VCF-style: chr19-15174270-C-G. GRCh37 (hg19) VCF-style: chr19-15285081-C-G.
Other names: short protein forms V1512L.
Identifiers: ClinVar variation 2649434 (VCV002649434.25), dbSNP rs375087797, ClinGen allele CA404500980.
Genomic context (GRCh38, chr19:15,174,270, plus strand): 5'-GAAAGTCGGCGCTGGAACGCAGTAGCTCCTCTGGCGGCAGCAGCACTGTGAGCACCAGCA[C>G]GCCGCGGGCCAGCAGGGCCGGCACCTCGCTGGCACAATCCAGCCCATCCCAGCCGCACTC-3'
Protein context (NP_000426.2, residues 1502-1522): SEVPALLARG[Val1512Leu]LVLTVLLPPE